The following is an entry in ClinVar:

NM_138420.4(AHNAK2):c.10686C>T (p.Pro3562=)

Gene: AHNAK2 (AHNAK nucleoprotein 2; minus strand). Cytogenetic location: 14q32.33.
Variant type: single nucleotide variant.
Coding change: c.10686C>T on transcript NM_138420.4 (MANE Select); coding-DNA position 10686, C replaced by T.
Protein change: p.Pro3562=; no amino-acid change (proline 3562 retained).
Molecular consequence: synonymous variant.
Genome position (GRCh38, 1-based): chr14:104,944,765, G>A on the plus strand (C>T on the coding strand, the complement: AHNAK2 is on the minus strand). VCF-style: chr14-104944765-G-A. GRCh37 (hg19) VCF-style: chr14-105411102-G-A.
Other names: c.10386C>T, p.Pro3462= (NM_001350929.2).
Identifiers: ClinVar variation 2644663 (VCV002644663.24), dbSNP rs199855910, ClinGen allele CA7379006.

ClinVar aggregate classification (germline): Likely benign (1 of 4 stars; one submission).

Allele frequency attached by ClinVar (database versions not stated): ExAC 0.00047; gnomAD 0.00054; TOPMed 0.00068; ESP Exome Variant Server 0.00076; gnomAD exomes 0.00077.

Submission:

CeGaT Center for Human Genetics Tuebingen
Classification: Likely benign. Last evaluated: 2024-08-01. Review status: criteria provided, single submitter. Criteria: CeGaT Center For Human Genetics Tuebingen Variant Classification Criteria Version 2. Collection method: clinical testing. Allele origin: germline. Affected: yes. Observed: 2 variant alleles.
Comment: AHNAK2: BP4, BP7